The following is an entry in ClinVar:

NM_032043.3(BRIP1):c.286A>G (p.Thr96Ala)

Gene: BRIP1 (BRCA1 interacting DNA helicase 1; minus strand). Cytogenetic location: 17q23.2.
Variant type: single nucleotide variant.
Coding change: c.286A>G on transcript NM_032043.3 (MANE Select); coding-DNA position 286, A replaced by G.
Protein change: p.Thr96Ala; replaces threonine 96 with alanine.
Molecular consequence: missense variant.
Genome position (GRCh38, 1-based): chr17:61,857,151, T>C on the plus strand (A>G on the coding strand, the complement: BRIP1 is on the minus strand). VCF-style: chr17-61857151-T-C. GRCh37 (hg19) VCF-style: chr17-59934512-T-C.
Other names: short protein forms T96A.
Identifiers: ClinVar variation 1720562 (VCV001720562.5), dbSNP rs2545459559, ClinGen allele CA400485452.

ClinVar aggregate classification (germline): Uncertain significance (1 of 4 stars; one submission).

Conditions:
Familial cancer of breast. Also called: BREAST CANCER, FAMILIAL; Hereditary breast cancer; hereditary breast carcinoma. Identifiers: Orphanet 227535, MedGen C0346153, MONDO:0016419, OMIM 114480. Disease mechanism: loss of function.
Fanconi anemia complementation group J. Also called: BRIP1-Related Fanconi Anemia. Identifiers: Orphanet 84, MedGen C1836860, MONDO:0012187, OMIM 609054.

Submission:

Labcorp Genetics (formerly Invitae), Labcorp
Classification: Uncertain significance for Familial cancer of breast; Fanconi anemia complementation group J. Last evaluated: 2022-09-28. Review status: criteria provided, single submitter. Criteria: Invitae Variant Classification Sherloc (09022015). Collection method: clinical testing. Allele origin: germline.
Comment: This variant has not been reported in the literature in individuals affected with BRIP1-related conditions. This variant is not present in population databases (gnomAD no frequency). This sequence change replaces threonine, which is neutral and polar, with alanine, which is neutral and non-polar, at codon 96 of the BRIP1 protein (p.Thr96Ala). Advanced modeling of protein sequence and biophysical properties (such as structural, functional, and spatial information, amino acid conservation, physicochemical variation, residue mobility, and thermodynamic stability) performed at Invitae indicates that this missense variant is not expected to disrupt BRIP1 protein function. In summary, the available evidence is currently insufficient to determine the role of this variant in disease. Therefore, it has been classified as a Variant of Uncertain Significance.